The following is an entry in ClinVar:

ClinVar aggregate classification (germline): Uncertain significance (1 of 4 stars; one submission).

Conditions:
Neurodevelopmental disorder with or without hyperkinetic movements and seizures, autosomal dominant. Also called: Intellectual disability, autosomal dominant 8. Identifiers: MedGen C3280282, MONDO:0013655, OMIM 614254.

Submission:

Labcorp Genetics (formerly Invitae), Labcorp
Classification: Uncertain significance for Neurodevelopmental disorder with or without hyperkinetic movements and seizures, autosomal dominant. Last evaluated: 2020-08-26. Review status: criteria provided, single submitter. Criteria: Invitae Variant Classification Sherloc (09022015). Collection method: clinical testing. Allele origin: germline.
Comment: This variant, c.41_43del, results in the deletion of 1 amino acid(s) of the GRIN1 protein (p.Ser14del), but otherwise preserves the integrity of the reading frame. This variant is present in population databases (rs778242525, ExAC 0.004%). This variant has not been reported in the literature in individuals with GRIN1-related conditions. In summary, the available evidence is currently insufficient to determine the role of this variant in disease. Therefore, it has been classified as a Variant of Uncertain Significance.

NM_007327.4(GRIN1):c.41_43del (p.Ser14del)

Gene: GRIN1 (glutamate ionotropic receptor NMDA type subunit 1; plus strand). Cytogenetic location: 9q34.3.
Variant type: Deletion.
Coding change: c.41_43del on transcript NM_007327.4 (MANE Select); coding-DNA positions 41 to 43, 3 bases deleted (CCT; older notation c.41_43delCCT).
Protein change: p.Ser14del; deletes serine 14.
Molecular consequence: inframe deletion.
Genome position (GRCh38, 1-based): chr9:137,139,527-137,139,529, CCT deleted; deleting any 3 consecutive bases within chr9:137,139,525-137,139,529 gives the same sequence; the c. name uses the placement nearest the transcript's 3' end. VCF-style (leftmost placement, unchanged base first): chr9-137139524-TCTC-T. GRCh37 (hg19) VCF-style: chr9-140033976-TCTC-T.
Other names: c.41_43del, p.Ser14del (NM_001185090.2, NM_001185091.2, NM_021569.4 and 1 more transcripts); short protein forms S14del.
Identifiers: ClinVar variation 1004101 (VCV001004101.9), dbSNP rs778242525, ClinGen allele CA5360573.
Genomic context (GRCh38, chr9:137,139,524, plus strand): 5'-AGCCAGGCCCGCGGCCCGAGCCCATGAGCACCATGCGCCTGCTGACGCTCGCCCTGCTGT[TCTC>T]CTGCTCCGTCGCCCGTGCCGCGTGCGACCCCAAGATCGTCAACATTGGCGCGGTGCTGAG-3'